The following is an entry in ClinVar:

NM_001127222.2(CACNA1A):c.4345C>A (p.Leu1449Met)

Gene: CACNA1A (calcium voltage-gated channel subunit alpha1 A; minus strand). Cytogenetic location: 19p13.13.
Variant type: single nucleotide variant.
Coding change: c.4345C>A on transcript NM_001127222.2 (MANE Select); coding-DNA position 4345, C replaced by A.
Protein change: p.Leu1449Met; replaces leucine 1449 with methionine.
Molecular consequence: missense variant.
Genome position (GRCh38, 1-based): chr19:13,259,607, G>T on the plus strand (C>A on the coding strand, the complement: CACNA1A is on the minus strand). VCF-style: chr19-13259607-G-T. GRCh37 (hg19) VCF-style: chr19-13370421-G-T.
Other names: c.4357C>A, p.Leu1453Met (NM_000068.4, NM_023035.3); c.4348C>A, p.Leu1450Met (NM_001127221.2, NM_001174080.2); short protein forms L1450M, L1453M, L1449M.
Identifiers: ClinVar variation 2932607 (VCV002932607.4), dbSNP rs1174785840, ClinGen allele CA404339286.
Genomic context (GRCh38, chr19:13,259,607, plus strand): 5'-CCAGTCGGGCCACTTACTGTGGCCAGCCTTCTCCCGTGGACACGGTGAAGAGGGTCAGCA[G>T]AGCCCACAGCACATTGTCGTAATGGAATTCATACTTCTTCCACTCCCGGTCTCGCGCCTT-3'
Protein context (NP_001120694.1, residues 1439-1459): EFHYDNVLWA[Leu1449Met]LTLFTVSTGE

ClinVar aggregate classification (germline): Conflicting classifications of pathogenicity. Review status: criteria provided, conflicting classifications (1 of 4 stars). 2 submissions from 2 submitters: Uncertain significance (1); Likely benign (1). Last evaluated 2026-07-20.

Conditions:
Inborn genetic diseases. Identifiers: MedGen C0950123, MeSH D030342.
Episodic ataxia type 2 (EA2). Also called: ACETAZOLAMIDE-RESPONSIVE HEREDITARY PAROXYSMAL CEREBELLAR ATAXIA; ATAXIA, EPISODIC, WITH NYSTAGMUS; ATAXIA, FAMILIAL PAROXYSMAL; CEREBELLAR ATAXIA, PAROXYSMAL, ACETAZOLAMIDE-RESPONSIVE; CEREBELLOPATHY, HEREDITARY PAROXYSMAL; EPISODIC ATAXIA, NYSTAGMUS-ASSOCIATED. Identifiers: Orphanet 97, MedGen C1720416, MONDO:0007163, OMIM 108500.
Developmental and epileptic encephalopathy, 42 (DEE42A). Also called: DEVELOPMENTAL AND EPILEPTIC ENCEPHALOPATHY 42A; EPILEPTIC ENCEPHALOPATHY, EARLY INFANTILE, 42A; Epileptic encephalopathy, early infantile, 42. Identifiers: MedGen C4310716, MONDO:0014917, OMIM 617106.

Allele frequency attached by ClinVar (database versions not stated): gnomAD exomes below 0.00001.
gnomAD v4.1: 2 of 1,610,258 alleles (0.00012%); highest among the groups gnomAD compares: Admixed American, 0.0034%; no homozygotes.

Submissions (2):

Ambry Genetics
Classification: Uncertain significance for Inborn genetic diseases. Last evaluated: 2026-07-20. Review status: criteria provided, single submitter. Criteria: Ambry Variant Classification Scheme 2023. Collection method: clinical testing. Allele origin: germline.
Comment: The c.4348C>A (p.L1450M) alteration is located in exon 27 (coding exon 27) of the CACNA1A gene. This alteration results from a C to A substitution at nucleotide position 4348, causing the leucine (L) at amino acid position 1450 to be replaced by a methionine (M). Based on data from gnomAD, the A allele has an overall frequency of 0.001% (3/243014) total alleles studied. The highest observed frequency was 0.017% (1/5918) of Other alleles. Based on insufficient or conflicting evidence, the clinical significance of this alteration remains unclear.

Labcorp Genetics (formerly Invitae), Labcorp
Classification: Likely benign for Developmental and epileptic encephalopathy, 42; Episodic ataxia type 2. Last evaluated: 2023-11-12. Review status: criteria provided, single submitter. Criteria: Invitae Variant Classification Sherloc (09022015). Collection method: clinical testing. Allele origin: germline.